The following is an entry in ClinVar:

ClinVar aggregate classification (germline): Uncertain significance (1 of 4 stars; one submission).

Conditions:
Gastrointestinal stromal tumor. Also called: Gastrointestinal stromal tumor, somatic; Gastrointestinal stroma tumor. Identifiers: Orphanet 44890, MedGen C0238198, MeSH D046152, MONDO:0011719, OMIM 606764, HP:0100723.

Submission:

Labcorp Genetics (formerly Invitae), Labcorp
Classification: Uncertain significance for Gastrointestinal stromal tumor. Last evaluated: 2022-02-27. Review status: criteria provided, single submitter. Criteria: Invitae Variant Classification Sherloc (09022015). Collection method: clinical testing. Allele origin: germline.
Comment: Variants that disrupt the consensus splice site are a relatively common cause of aberrant splicing (PMID: 17576681, 9536098). Algorithms developed to predict the effect of sequence changes on RNA splicing suggest that this variant is not likely to affect RNA splicing. In summary, the available evidence is currently insufficient to determine the role of this variant in disease. Therefore, it has been classified as a Variant of Uncertain Significance. This sequence change falls in intron 8 of the PDGFRA gene. It does not directly change the encoded amino acid sequence of the PDGFRA protein. It affects a nucleotide within the consensus splice site. This variant is not present in population databases (gnomAD no frequency). This variant has not been reported in the literature in individuals affected with PDGFRA-related conditions. ClinVar contains an entry for this variant (Variation ID: 240298).

Literature cited by the submitters: PubMed 17576681; PubMed 9536098.

NM_006206.6(PDGFRA):c.1237+5G>A

Gene: PDGFRA (platelet derived growth factor receptor alpha; plus strand). Cytogenetic location: 4q12.
Variant type: single nucleotide variant.
Coding change: c.1237+5G>A on transcript NM_006206.6 (MANE Select); 5 bases into the intron after coding-DNA position 1237, G replaced by A.
Molecular consequence: intron variant.
Genome position (GRCh38, 1-based): chr4:54,270,753, G>A. VCF-style: chr4-54270753-G-A. GRCh37 (hg19) VCF-style: chr4-55136920-G-A.
Other names: c.1312+5G>A (NM_001347828.2); c.1237+5G>A (NM_001347827.2, NM_001347829.2); c.1276+5G>A (NM_001347830.2).
Identifiers: ClinVar variation 240298 (VCV000240298.9), dbSNP rs878854819, ClinGen allele CA10582241.